The following is an entry in ClinVar:

NM_001692.4(ATP6V1B1):c.67C>T (p.Arg23Ter)

Gene: ATP6V1B1 (ATPase H+ transporting V1 subunit B1; plus strand). Cytogenetic location: 2p13.3.
Variant type: single nucleotide variant.
Coding change: c.67C>T on transcript NM_001692.4 (MANE Select); coding-DNA position 67, C replaced by T.
Protein change: p.Arg23Ter; replaces arginine 23 with a stop codon.
Molecular consequence: nonsense.
Genome position (GRCh38, 1-based): chr2:70,936,021, C>T. VCF-style: chr2-70936021-C-T. GRCh37 (hg19) VCF-style: chr2-71163151-C-T.
Other names: short protein forms R23*.
Identifiers: ClinVar variation 1323856 (VCV001323856.15), dbSNP rs1553415274, ClinGen allele CA347176795.

ClinVar aggregate classification (germline): Pathogenic/Likely pathogenic. Review status: criteria provided, multiple submitters, no conflicts (2 of 4 stars). 5 submissions from 5 submitters: Pathogenic (4); Likely pathogenic (1). Last evaluated 2025-03-19.

Conditions:
Renal tubular acidosis with progressive nerve deafness. Also called: renal tubular acidosis, distal, 2, with progressive sensorineural hearing loss; Distal Renal Tubular Acidosis with Progressive Sensorineural Deafness; RENAL TUBULAR ACIDOSIS, AUTOSOMAL RECESSIVE, WITH PROGRESSIVE NERVE DEAFNESS; RTA WITH PROGRESSIVE NERVE DEAFNESS. Identifiers: MedGen C0403554, MONDO:0009968, OMIM 267300.

Submissions (5):

Myriad Genetics, Inc.
Classification: Pathogenic for Renal tubular acidosis with progressive nerve deafness. Last evaluated: 2025-03-19. Review status: criteria provided, single submitter. Criteria: Myriad Autosomal Dominant, Autosomal Recessive and X-Linked Classification Criteria (2023). Collection method: clinical testing. Allele origin: unknown.
Comment: NM_001692.3(ATP6V1B1):c.67C>T(R23*) is a nonsense variant classified as pathogenic in the context of distal renal tubular acidosis with deafness, ATP6V1B1-related. R23* has been observed in a case with relevant disease (PMID: 35738466). Relevant functional assessments of this variant are not available in the literature. R23* has not been observed in referenced population frequency databases. In summary, NM_001692.3(ATP6V1B1):c.67C>T(R23*) is a nonsense variant in a gene where loss of function is a known mechanism of disease, is predicted to disrupt protein function, and has been observed more frequently in cases with the relevant disease than in healthy populations. Please note: this variant was assessed in the context of healthy population screening.

Natera, Inc.
Classification: Pathogenic for Renal tubular acidosis with progressive nerve deafness. Last evaluated: 2024-07-01. Review status: criteria provided, single submitter. Criteria: Natera Variant Classification Schema (03/2026). Collection method: clinical testing. Allele origin: germline.
Comment: The c.67C>T variant in ATP6V1B1 is a nonsense variant predicted to introduce a stop codon at amino acid 23. This variant is expected to result in nonsense mediated decay, truncation, or a dysfunctional protein product. This variant is rare in the general population with a frequency below the threshold expected for the associated phenotype(s). This variant has been observed in one or more individuals affected with the associated recessive disease, as either homozygous or compound heterozygous with a second variant (PMID: 35738466). Additionally, this variant has been observed to segregate in affected family members (PMID: 35738466). Given the available evidence, this variant is classified as Pathogenic.

Fulgent Genetics
Classification: Likely pathogenic for Renal tubular acidosis with progressive nerve deafness. Last evaluated: 2024-06-11. Review status: criteria provided, single submitter. Criteria: ACMG Guidelines, 2015. Collection method: clinical testing. Allele origin: germline.

Labcorp Genetics (formerly Invitae), Labcorp
Classification: Pathogenic. Last evaluated: 2023-03-04. Review status: criteria provided, single submitter. Criteria: Invitae Variant Classification Sherloc (09022015). Collection method: clinical testing. Allele origin: germline.
Comment: ClinVar contains an entry for this variant (Variation ID: 1323856). This sequence change creates a premature translational stop signal (p.Arg23*) in the ATP6V1B1 gene. It is expected to result in an absent or disrupted protein product. Loss-of-function variants in ATP6V1B1 are known to be pathogenic (PMID: 9916796, 18368028). This variant is not present in population databases (gnomAD no frequency). This premature translational stop signal has been observed in individual(s) with renal tubular dysfunction (PMID: 35738466). For these reasons, this variant has been classified as Pathogenic.

Laboratory of Cyto-molecular Genetics, Department of Anatomy, All India Institute of Medical Sciences (AIIMS), New Delhi
Classification: Pathogenic for Renal tubular acidosis with progressive nerve deafness. Last evaluated: 2022-02-07. Review status: criteria provided, single submitter. Criteria: ACMG Guidelines, 2015. Collection method: clinical testing. Allele origin: germline. Affected: yes. Observed: 4 variant alleles.
Comment: p.(Arg23*); nonsense variant

Literature cited by the submitters: PubMed 35738466 (cited by 4 submitters); PubMed 9916796 (cited by Labcorp Genetics (formerly Invitae), Labcorp); PubMed 18368028 (cited by Labcorp Genetics (formerly Invitae), Labcorp).